The following is an entry in ClinVar:

NM_005903.7(SMAD5):c.781C>T (p.Gln261Ter)

Gene: SMAD5 (SMAD family member 5; plus strand). Cytogenetic location: 5q31.1.
Variant type: single nucleotide variant.
Coding change: c.781C>T on transcript NM_005903.7 (MANE Select); coding-DNA position 781, C replaced by T.
Protein change: p.Gln261Ter; replaces glutamine 261 with a stop codon.
Molecular consequence: nonsense.
Genome position (GRCh38, 1-based): chr5:136,172,439, C>T. VCF-style: chr5-136172439-C-T. GRCh37 (hg19) VCF-style: chr5-135508128-C-T.
Other names: c.781C>T, p.Gln261Ter (NM_001001419.3, NM_001001420.3); short protein forms Q261*.
Identifiers: ClinVar variation 3731297 (VCV003731297.1).
Genomic context (GRCh38, chr5:136,172,439, plus strand): 5'-ACAATCTGAGTTTCTGATATGTATTAAACTCTTTCTGTGTCTGGTTTGTTCACAGATGTT[C>T]AGCCTGTTGCCTATGAAGAGCCTAAACATTGGTGTTCAATAGTCTACTATGAATTAAACA-3'

ClinVar aggregate classification (germline): Uncertain significance (1 of 4 stars; one submission).

Conditions:
Congenital heart disease (CHD). Identifiers: MedGen C0152021, MONDO:0005453. Disease mechanism: unknown.

Submission:

Embryology Laboratory, Victor Chang Cardiac Research Institute
Classification: Uncertain significance for Congenital heart disease. Review status: criteria provided, single submitter. Criteria: ACMG Guidelines, 2015. Collection method: research. Allele origin: unknown. Inheritance: Autosomal unknown. Affected: yes. Observed: 1 variant allele.
Comment: The c.781C>T (p.Q261*) occurs within the linker region of SMAD5 and is predicted to lead to premature protein truncation. Smad5 knock-out in animal models lead to congenital defects and embryonic lethality (PMID 10079226, 10677256, 10079220). SMAD5 is intolerant to LOF variants (pLI=1.0, LOEUF=0.17) on the gnomAD database. At time of submission, SMAD5 variants are not associated with congenital heart defects, therefore the clinical significance of this variant cannot be assessed.